The following is an entry in ClinVar:

ClinVar aggregate classification (germline): Conflicting classifications of pathogenicity. Review status: criteria provided, conflicting classifications (1 of 4 stars). 2 submissions from 2 submitters: Likely pathogenic (1); Uncertain significance (1). Last evaluated 2019-11-25.

Conditions:
Southeast Asian ovalocytosis. Also called: Stomatocytic elliptocytosis, hereditary; Ovalocytosis, Malaysian-Melanesian-Filipino type; HE, STOMATOCYTIC; Elliptocytosis 4. Identifiers: Orphanet 98868, MedGen C1862322, MONDO:0008165, OMIM 166900.
Cryohydrocytosis. Also called: CRYOHYDROCYTOSIS DUE TO BAND 3 HEMEL; CRYOHYDROCYTOSIS DUE TO BAND 3 HURSTPIERPOINT; CRYOHYDROCYTOSIS DUE TO BAND 3 BLACKBURN; STOMATOCYTOSIS, COLD-SENSITIVE; Hereditary cryohydrocytosis with normal stomatin. Identifiers: Orphanet 398088, MedGen C1861453, MONDO:0008494, OMIM 185020.
Autosomal dominant distal renal tubular acidosis (DRTA1). Also called: RENAL TUBULAR ACIDOSIS, DISTAL, 1; RTA, CLASSIC TYPE; RTA, DISTAL TYPE, AUTOSOMAL DOMINANT; RTA, GRADIENT TYPE; Renal Tubular Acidosis, Type I. Identifiers: Orphanet 93608, MedGen CN280572, MONDO:0008368, OMIM 179800.
Renal tubular acidosis, distal, 4, with hemolytic anemia. Also called: Renal Tubular Acidosis, Distal, with Hemolytic Anemia. Identifiers: Orphanet 93610, MedGen C5436235, MONDO:0012700, OMIM 611590.
Hereditary spherocytosis type 4. Also called: SLC4A1-Related Spherocytosis. Identifiers: Orphanet 822, MedGen C2675212, MONDO:0012981, OMIM 612653.
Malaria, susceptibility to. Identifiers: Orphanet 673, MedGen C1970028, MONDO:0021024, OMIM 611162.
BLOOD GROUP--FROESE (FR). Also called: FROESE BLOOD GROUP ANTIGEN. Identifiers: MedGen C1832168, OMIM 601551.
BLOOD GROUP--WRIGHT ANTIGEN (WR). Identifiers: MedGen C1862190, OMIM 112050.
BLOOD GROUP--SWANN SYSTEM (SW). Also called: SWANN BLOOD GROUP. Identifiers: MedGen C1832169, OMIM 601550.
BLOOD GROUP--DIEGO SYSTEM (DI). Identifiers: MedGen C1292286, OMIM 110500.
BLOOD GROUP, WALDNER (WD). Also called: WALDNER BLOOD GROUP ANTIGEN. Identifiers: MedGen C1862191, OMIM 112010.

Submissions (2):

UOS Fisiopatologia delle Anemie, Fondazione IRCCS Ca' Granda Ospedale Maggiore Policlinico Milano
Classification: Likely pathogenic for Hereditary spherocytosis type 4. Last evaluated: 2019-11-25. Review status: criteria provided, single submitter. Criteria: ACMG Guidelines, 2015. Collection method: clinical testing. Allele origin: germline. Affected: yes. Observed: 1 variant allele.

Juno Genomics, Hangzhou Juno Genomics, Inc
Classification: Uncertain significance for Cryohydrocytosis; Autosomal dominant distal renal tubular acidosis; Renal tubular acidosis, distal, 4, with hemolytic anemia; Southeast Asian ovalocytosis; Hereditary spherocytosis type 4; BLOOD GROUP--DIEGO SYSTEM; BLOOD GROUP--FROESE; BLOOD GROUP--SWANN SYSTEM; BLOOD GROUP, WALDNER; BLOOD GROUP--WRIGHT ANTIGEN; Malaria, susceptibility to. Review status: criteria provided, single submitter. Criteria: ACMG Guidelines, 2015. Collection method: clinical testing. Allele origin: germline. Affected: yes.
Comment: Absent from controls (or at extremely low frequency if recessive) in Genome Aggregation Database, Exome Sequencing Project, 1000 Genomes Project, or Exome Aggregation Consortium.;Multiple lines of computational evidence support a deleterious effect on the gene or gene product (conservation, evolutionary, splicing impact, etc).;Patient's phenotype or family history is highly specific for a disease with a single genetic etiology.;The prevalence of the variant in affected individuals is significantly increased compared to the prevalence in controls.

NM_000342.4(SLC4A1):c.2312G>T (p.Gly771Val)

Gene: SLC4A1 (solute carrier family 4 member 1 (Diego blood group); minus strand). Cytogenetic location: 17q21.31.
Variant type: single nucleotide variant.
Coding change: c.2312G>T on transcript NM_000342.4 (MANE Select); coding-DNA position 2312, G replaced by T.
Protein change: p.Gly771Val; replaces glycine 771 with valine.
Molecular consequence: missense variant.
Genome position (GRCh38, 1-based): chr17:44,251,588, C>A on the plus strand (G>T on the coding strand, the complement: SLC4A1 is on the minus strand). VCF-style: chr17-44251588-C-A. GRCh37 (hg19) VCF-style: chr17-42328956-C-A.
Other names: short protein forms G771V.
Identifiers: ClinVar variation 992923 (VCV000992923.3), dbSNP rs121912741, ClinGen allele CA399781304.
Genomic context (GRCh38, chr17:44,251,588, plus strand): 5'-ATGCCAAACAGTACAGCCAGGGGGATGCGGGACAGGATGGGCTCCATGAGGATGGACAGG[C>A]CTGTGGGGGAGCCGCACACTCTCAGCCCAGGTTGCCCGAGGCCTGGCACCAGTGGGGGGT-3'
Protein context (NP_000333.1, residues 761-781): ISGLLVAVLV[Gly771Val]LSILMEPILS